The following is an entry in ClinVar:

ClinVar aggregate classification (germline): Uncertain significance. Review status: criteria provided, multiple submitters, no conflicts (2 of 4 stars). 2 submissions from 2 submitters: Uncertain significance (2). Last evaluated 2026-05-14.

Conditions:
Primary ciliary dyskinesia. Also called: Ciliary dyskinesia. Identifiers: Orphanet 244, MedGen C0008780, MONDO:0016575, HP:0012265.

Submissions (2):

Ambry Genetics
Classification: Uncertain significance for Primary ciliary dyskinesia. Last evaluated: 2026-05-14. Review status: criteria provided, single submitter. Criteria: Ambry Variant Classification Scheme 2023. Collection method: clinical testing. Allele origin: germline.
Comment: The p.A271T variant (also known as c.811G>A), located in coding exon 5 of the CCDC40 gene, results from a G to A substitution at nucleotide position 811. The alanine at codon 271 is replaced by threonine, an amino acid with similar properties. This amino acid position is conserved. In addition, this alteration is predicted to be tolerated by in silico analysis. Based on the available evidence, the clinical significance of this variant remains unclear.

Labcorp Genetics (formerly Invitae), Labcorp
Classification: Uncertain significance for Primary ciliary dyskinesia. Last evaluated: 2024-10-14. Review status: criteria provided, single submitter. Criteria: Invitae Variant Classification Sherloc (09022015). Collection method: clinical testing. Allele origin: germline.
Comment: This sequence change replaces alanine, which is neutral and non-polar, with threonine, which is neutral and polar, at codon 271 of the CCDC40 protein (p.Ala271Thr). This variant is not present in population databases (gnomAD no frequency). This variant has not been reported in the literature in individuals affected with CCDC40-related conditions. Invitae Evidence Modeling of protein sequence and biophysical properties (such as structural, functional, and spatial information, amino acid conservation, physicochemical variation, residue mobility, and thermodynamic stability) indicates that this missense variant is not expected to disrupt CCDC40 protein function with a negative predictive value of 80%. In summary, the available evidence is currently insufficient to determine the role of this variant in disease. Therefore, it has been classified as a Variant of Uncertain Significance.

NM_017950.4(CCDC40):c.811G>A (p.Ala271Thr)

Gene: CCDC40 (coiled-coil domain 40 molecular ruler complex subunit; plus strand). Cytogenetic location: 17q25.3.
Variant type: single nucleotide variant.
Coding change: c.811G>A on transcript NM_017950.4 (MANE Select); coding-DNA position 811, G replaced by A.
Protein change: p.Ala271Thr; replaces alanine 271 with threonine.
Molecular consequence: missense variant.
Genome position (GRCh38, 1-based): chr17:80,048,717, G>A. VCF-style: chr17-80048717-G-A. GRCh37 (hg19) VCF-style: chr17-78022516-G-A.
Other names: c.811G>A, p.Ala271Thr (NM_001243342.2, NM_001330508.2); c.811G>A (NM_017950.3); short protein forms A271T.
Identifiers: ClinVar variation 3624008 (VCV003624008.3).